The following is an entry in ClinVar:

ClinVar aggregate classification (germline): Pathogenic/Likely pathogenic. Review status: criteria provided, multiple submitters, no conflicts (2 of 4 stars). 5 submissions from 5 submitters: Pathogenic (4); Likely pathogenic (1). Last evaluated 2024-08-01.

Conditions:
DLG4-related disorder. Also called: DLG4-related condition.
Intellectual developmental disorder 62. Also called: MENTAL RETARDATION, AUTOSOMAL DOMINANT 62; INTELLECTUAL DEVELOPMENTAL DISORDER, AUTOSOMAL DOMINANT 62. Identifiers: MedGen C5394083, MONDO:0032919, OMIM 618793.

Submissions (5):

Rady Children's Institute for Genomic Medicine, Rady Children's Hospital San Diego
Classification: Pathogenic for Intellectual developmental disorder 62. Last evaluated: 2024-08-01. Review status: criteria provided, single submitter. Criteria: ACMG Guidelines, 2015. Collection method: clinical testing. Allele origin: germline. Affected: yes.
Comment: This variant affects the canonical splice donor site of intron 18 and is therefore predicted to affect normal (native) splicing. The DLG4 gene is constrained against variation (Z-score= 4.84 and pLI = 1), and loss-of-function variants are associated with intellectual developmental disorder, also known as DLG4-related synaptopathy (PMID: 29460436). This variant has been previously reported as a de novo change in a patient with global developmental delay, anxiety, ataxia, hypotonia and dysmorphic facies (PMID: 33597769). The c.1822+1G>A variant is absent from the gnomAD v4 population database and thus is presumed to be rare. Based on the available evidence, c.1822+1G>A is classified as Pathogenic.

Tumer Group, Copenhagen University Hospital, Rigshospitalet
Classification: Likely pathogenic for Intellectual developmental disorder 62. Last evaluated: 2023-02-28. Review status: criteria provided, single submitter. Criteria: ACMG Guidelines, 2015. Collection method: research. Allele origin: de novo. Affected: yes.

Blueprint Genetics
Classification: Pathogenic for DLG4-related disorders. Last evaluated: 2022-12-19. Review status: criteria provided, single submitter. Criteria: ACMG Guidelines, 2015. Collection method: clinical testing. Allele origin: de novo. Affected: yes. Observed: 1 variant allele.

GeneDx
Classification: Pathogenic. Last evaluated: 2021-12-22. Review status: criteria provided, single submitter. Criteria: GeneDx Variant Classification Process June 2021. Collection method: clinical testing. Allele origin: germline. Affected: yes.
Comment: Canonical splice site variant expected to result in aberrant splicing, although in the absence of functional evidence the actual effect of this sequence change is unknown.; Not observed at significant frequency in large population cohorts (Lek et al., 2016); This variant is associated with the following publications: (PMID: 27535533, 33597769)

Institute of Human Genetics, University of Leipzig Medical Center
Classification: Pathogenic for Intellectual developmental disorder 62. Last evaluated: 2021-12-21. Review status: criteria provided, single submitter. Criteria: ACMG Guidelines, 2015. Collection method: research. Allele origin: de novo. Affected: yes.

Literature cited by the submitters: PubMed 33597769 (cited by Institute of Human Genetics, University of Leipzig Medical Center).

NM_001321075.3(DLG4):c.1693+1G>A

Gene: DLG4 (discs large MAGUK scaffold protein 4; minus strand). Cytogenetic location: 17p13.1.
Variant type: single nucleotide variant.
Coding change: c.1693+1G>A on transcript NM_001321075.3 (MANE Select); the canonical splice donor site of the intron after coding-DNA position 1693, G replaced by A.
Molecular consequence: splice donor variant.
Genome position (GRCh38, 1-based): chr17:7,193,482, C>T on the plus strand (G>A on the coding strand, the complement: DLG4 is on the minus strand). VCF-style: chr17-7193482-C-T. GRCh37 (hg19) VCF-style: chr17-7096801-C-T.
Other names: c.1822+1G>A (NM_001365.5); c.1684+1G>A (NM_001128827.4); c.1612+1G>A (NM_001369566.3); c.1513+1G>A (NM_001321077.3, NM_001321076.3); c.1813+1G>A (NM_001321074.1).
Identifiers: ClinVar variation 1329901 (VCV001329901.6), dbSNP rs2142825211, ClinGen allele CA397714983.